The following is an entry in ClinVar:

ClinVar aggregate classification (germline): Pathogenic (1 of 4 stars; one submission).

Conditions:
Developmental and epileptic encephalopathy, 23 (DEE23). Also called: Epileptic encephalopathy, early infantile, 23. Identifiers: Orphanet 411986, MedGen C4014492, MONDO:0014371, OMIM 615859.

Submission:

Laboratory of Human Genetics, Universidade de São Paulo
Classification: Pathogenic for Developmental and epileptic encephalopathy, 23. Last evaluated: 2025-12-18. Review status: criteria provided, single submitter. Criteria: ACMG Guidelines, 2015. Collection method: research. Allele origin: biparental. Affected: yes.
Comment: Homozygous variant classified as pathogenic according to ACMG/AMP guidelines (PVS1, PM2, PP4).

NM_001367561.1(DOCK7):c.994dup (p.Ser332fs)

Gene: DOCK7 (dedicator of cytokinesis 7; minus strand). Cytogenetic location: 1p31.3.
Variant type: Duplication.
Coding change: c.994dup on transcript NM_001367561.1 (MANE Select); coding-DNA position 994, one base duplicated (T; older notation c.994dupT).
Protein change: p.Ser332fs; shifts the reading frame from serine 332.
Molecular consequence: frameshift variant.
Genome position (GRCh38, 1-based): chr1:62,634,814, A duplicated on the plus strand (T on the coding strand, the reverse complement: DOCK7 is on the minus strand); the first of 6 consecutive A bases (chr1:62,634,814-62,634,819); duplicating any one gives the same sequence. VCF-style (leftmost placement, unchanged base first): chr1-62634813-G-GA. GRCh37 (hg19) VCF-style: chr1-63100484-G-GA.
Other names: c.994dup, p.Ser332fs (NM_001271999.2, NM_001272000.2, NM_001272001.2 and 3 more transcripts); short protein forms S332fs.
Identifiers: ClinVar variation 4688040 (VCV004688040.1).